The following is an entry in ClinVar:

NM_000023.4(SGCA):c.38-7C>T

Gene: SGCA (sarcoglycan alpha; plus strand). Cytogenetic location: 17q21.33.
Variant type: single nucleotide variant.
Coding change: c.38-7C>T on transcript NM_000023.4 (MANE Select); 7 bases into the intron before coding-DNA position 38, C replaced by T.
Molecular consequence: intron variant.
Genome position (GRCh38, 1-based): chr17:50,167,361, C>T. VCF-style: chr17-50167361-C-T. GRCh37 (hg19) VCF-style: chr17-48244722-C-T.
Other names: p.?; c.38-7C>T (NM_001135697.3).
Identifiers: ClinVar variation 752362 (VCV000752362.12), dbSNP rs769272010, ClinGen allele CA8643680.
Genomic context (GRCh38, chr17:50,167,361, plus strand): 5'-AGGGAGCTTATCCCCTGCCCAGGACTGAGGCTGGCCTGTGTGTTTGGGACTTGTGGGGTC[C>T]CCACAGTTCTCCTGGCAGGGCTGGGGGACACCGAGGCCCAGCAGACCACGCTACACCCAC-3'

ClinVar aggregate classification (germline): Likely benign. Review status: criteria provided, multiple submitters, no conflicts (2 of 4 stars). 2 submissions from 2 submitters: Likely benign (2). Last evaluated 2026-01-17.

Conditions:
Autosomal recessive limb-girdle muscular dystrophy type 2D (LGMDR3). Also called: DUCHENNE-LIKE AUTOSOMAL RECESSIVE MUSCULAR DYSTROPHY, TYPE 2; ADHALINOPATHY, PRIMARY; MUSCULAR DYSTROPHY, LIMB-GIRDLE, AUTOSOMAL RECESSIVE 3. Identifiers: Orphanet 62, MedGen C2936332, MONDO:0011968, OMIM 608099. Disease mechanism: Affects gamma-sarcoglycan and also disrupts the integrity of the entire sarcoglycan complex..

Allele frequency attached by ClinVar (database versions not stated): ExAC 0.00001; gnomAD exomes 0.00001 and 0.00002.
gnomAD v4.1: 32 of 1,614,094 alleles (0.002%); highest among the groups gnomAD compares: Non-Finnish European, 0.0025%; no homozygotes.

Submissions (2):

Labcorp Genetics (formerly Invitae), Labcorp
Classification: Likely benign for Autosomal recessive limb-girdle muscular dystrophy type 2D. Last evaluated: 2026-01-17. Review status: criteria provided, single submitter. Criteria: Invitae Variant Classification Sherloc (09022015). Collection method: clinical testing. Allele origin: germline.

Mayo Clinic Laboratories, Mayo Clinic
Classification: Likely benign. Last evaluated: 2025-06-24. Review status: criteria provided, single submitter. Criteria: ACMG Guidelines, 2015. Collection method: clinical testing. Allele origin: germline. Observed: 1 variant allele.
Comment: BP4, BP7